The following is an entry in ClinVar:

ClinVar aggregate classification (germline): Uncertain significance (1 of 4 stars; one submission).

Conditions:
Epidermolysis bullosa simplex with nail dystrophy (EBS5D). Identifiers: MedGen C4225309, MONDO:0014661, OMIM 616487.
Epidermolysis bullosa simplex, Ogna type (EBS5A). Also called: Pidermolysis bullosa simplex 5A, Ogna type; EPIDERMOLYSIS BULLOSA SIMPLEX 5A, OGNA TYPE. Identifiers: Orphanet 79401, MedGen C0432317, MONDO:0007555, OMIM 131950.
Autosomal recessive limb-girdle muscular dystrophy type 2Q (LGMDR17). Also called: MUSCULAR DYSTROPHY, LIMB-GIRDLE, AUTOSOMAL RECESSIVE 17. Identifiers: Orphanet 254361, MedGen C3150989, MONDO:0013390, OMIM 613723.
Epidermolysis bullosa simplex 5B, with muscular dystrophy (EBS5B). Also called: EPIDERMOLYSIS BULLOSA SIMPLEX AND LIMB-GIRDLE MUSCULAR DYSTROPHY; Epidermolysis bullosa simplex with muscular dystrophy. Identifiers: Orphanet 257, MedGen C2931072, MONDO:0009181, OMIM 226670.
Epidermolysis bullosa simplex 5C, with pyloric atresia (EBS5C). Also called: PLEC-Related Epidermolysis Bullosa with Pyloric Atresia; Epidermolysis bullosa simplex with pyloric atresia; PLEC1-Related Epidermolysis Bullosa with Pyloric Atresia. Identifiers: Orphanet 158684, MedGen C2677349, MONDO:0012807, OMIM 612138.

Submission:

Labcorp Genetics (formerly Invitae), Labcorp
Classification: Uncertain significance for Autosomal recessive limb-girdle muscular dystrophy type 2Q; Epidermolysis bullosa simplex, Ogna type; Epidermolysis bullosa simplex with nail dystrophy; Epidermolysis bullosa simplex 5C, with pyloric atresia; Epidermolysis bullosa simplex 5B, with muscular dystrophy. Last evaluated: 2023-10-10. Review status: criteria provided, single submitter. Criteria: Invitae Variant Classification Sherloc (09022015). Collection method: clinical testing. Allele origin: germline.
Comment: This sequence change replaces alanine, which is neutral and non-polar, with valine, which is neutral and non-polar, at codon 1687 of the PLEC protein (p.Ala1687Val). This variant is not present in population databases (gnomAD no frequency). This variant has not been reported in the literature in individuals affected with PLEC-related conditions. Experimental studies and prediction algorithms are not available or were not evaluated, and the functional significance of this variant is currently unknown. In summary, the available evidence is currently insufficient to determine the role of this variant in disease. Therefore, it has been classified as a Variant of Uncertain Significance.

NM_201384.3(PLEC):c.4979C>T (p.Ala1660Val)

Gene: PLEC (plectin; minus strand). Cytogenetic location: 8q24.3.
Variant type: single nucleotide variant.
Coding change: c.4979C>T on transcript NM_201384.3 (MANE Select); coding-DNA position 4979, C replaced by T.
Protein change: p.Ala1660Val; replaces alanine 1660 with valine.
Molecular consequence: missense variant. On other transcripts: intron variant (1).
Genome position (GRCh38, 1-based): chr8:143,924,950, G>A on the plus strand (C>T on the coding strand, the complement: PLEC is on the minus strand). VCF-style: chr8-143924950-G-A. GRCh37 (hg19) VCF-style: chr8-144999118-G-A.
Other names: c.4979C>T, p.Ala1660Val (NM_201382.4); c.4991C>T, p.Ala1664Val (NM_201383.3); c.4125+1834C>T (NM_001410941.1); c.5060C>T, p.Ala1687Val (NM_000445.5); c.4937C>T, p.Ala1646Val (NM_201378.4); c.4913C>T, p.Ala1638Val (NM_201379.3); c.5390C>T, p.Ala1797Val (NM_201380.4); c.4883C>T, p.Ala1628Val (NM_201381.3); short protein forms A1638V, A1646V, A1797V, A1628V, A1660V, A1664V, A1687V.
Identifiers: ClinVar variation 2940510 (VCV002940510.3), dbSNP rs2537988874, ClinGen allele CA372550933.